The following is an entry in ClinVar:

NM_004415.4(DSP):c.3502G>C (p.Glu1168Gln)

Gene: DSP (desmoplakin; plus strand). Cytogenetic location: 6p24.3.
Variant type: single nucleotide variant.
Coding change: c.3502G>C on transcript NM_004415.4 (MANE Select); coding-DNA position 3502, G replaced by C.
Protein change: p.Glu1168Gln; replaces glutamic acid 1168 with glutamine.
Molecular consequence: missense variant.
Genome position (GRCh38, 1-based): chr6:7,579,692, G>C. VCF-style: chr6-7579692-G-C. GRCh37 (hg19) VCF-style: chr6-7579925-G-C.
Other names: c.3502G>C, p.Glu1168Gln (NM_001008844.3, NM_001319034.2); short protein forms E1168Q.
Identifiers: ClinVar variation 4756455 (VCV004756455.2).

ClinVar aggregate classification (germline): Uncertain significance. Review status: criteria provided, multiple submitters, no conflicts (2 of 4 stars). 2 submissions from 2 submitters: Uncertain significance (2). Last evaluated 2025-12-28.

Conditions:
Arrhythmogenic cardiomyopathy with wooly hair and keratoderma. Also called: PALMOPLANTAR KERATODERMA WITH LEFT VENTRICULAR CARDIOMYOPATHY AND WOOLLY HAIR; Dilated cardiomyopathy with woolly hair and keratoderma; Arrhythmogenic cardiomyopathy with woolly hair and keratoderma; Carvajal syndrome. Identifiers: Orphanet 65282, MedGen C1854063, MONDO:0011581, OMIM 605676.
Arrhythmogenic right ventricular dysplasia 8 (ARVD8). Also called: Arrhythmogenic Right Ventricular Dysplasia/Cardiomyopathy 8; ARRHYTHMOGENIC RIGHT VENTRICULAR DYSPLASIA, FAMILIAL, 8; ARRHYTHMOGENIC RIGHT VENTRICULAR CARDIOMYOPATHY 8. Identifiers: MedGen C1843896, MONDO:0011831, OMIM 607450.
Cardiomyopathy (CMYO). Also called: Cardiomyopathies. Identifiers: Orphanet 167848, MedGen C0878544, MONDO:0004994, HP:0001638. Inheritance: Various modes of inheritance.

Submissions (2):

Labcorp Genetics (formerly Invitae), Labcorp
Classification: Uncertain significance for Arrhythmogenic cardiomyopathy with wooly hair and keratoderma; Arrhythmogenic right ventricular dysplasia 8. Last evaluated: 2025-12-28. Review status: criteria provided, single submitter. Criteria: Invitae Variant Classification Sherloc (09022015). Collection method: clinical testing. Allele origin: germline.
Comment: This sequence change replaces glutamic acid, which is acidic and polar, with glutamine, which is neutral and polar, at codon 1168 of the DSP protein (p.Glu1168Gln). This variant is not present in population databases (gnomAD no frequency). This variant has not been reported in the literature in individuals affected with DSP-related conditions. An algorithm developed to predict the effect of missense changes on protein structure and function (PolyPhen-2) suggests that this variant is likely to be disruptive. In summary, the available evidence is currently insufficient to determine the role of this variant in disease. Therefore, it has been classified as a Variant of Uncertain Significance.

Color Diagnostics, LLC DBA Color Health
Classification: Uncertain significance for Cardiomyopathy. Last evaluated: 2025-09-18. Review status: criteria provided, single submitter. Criteria: ACMG Guidelines, 2015. Collection method: clinical testing. Allele origin: germline.
Comment: This missense variant replaces glutamic acid with glutamine at codon 1168 of the DSP protein. Computational prediction is inconclusive regarding the impact of this variant on protein structure and function. To our knowledge, functional studies have not been reported for this variant. This variant has not been reported in individuals affected with DSP-related disorders in the literature. This variant has not been identified in the general population by the Genome Aggregation Database (gnomAD). The available evidence is insufficient to determine the role of this variant in disease conclusively. Therefore, this variant is classified as a Variant of Uncertain Significance.